The following is an entry in ClinVar:

NM_000152.5(GAA):c.2040+2dup

Gene: GAA (alpha glucosidase; plus strand). Cytogenetic location: 17q25.3.
Variant type: Duplication.
Coding change: c.2040+2dup on transcript NM_000152.5 (MANE Select); the canonical splice donor site of the intron after coding-DNA position 2040, one base duplicated (T; older notation c.2040+2dupT).
Molecular consequence: splice donor variant.
Genome position (GRCh38, 1-based): chr17:80,113,029, T duplicated. VCF-style (leftmost placement, unchanged base first): chr17-80113028-G-GT. GRCh37 (hg19) VCF-style: chr17-78086827-G-GT.
Other names: c.2040+2dup (NM_001406741.1, NM_001406742.1, NM_001079803.3 and 1 more transcripts).
Identifiers: ClinVar variation 4876352 (VCV004876352.1).

ClinVar aggregate classification (germline): Uncertain significance (1 of 4 stars; one submission).

Conditions:
Glycogen storage disease, type II (IOPD). Also called: Pompe Disease; CARDIOMEGALIA GLYCOGENICA DIFFUSA; GLYCOGENOSIS, GENERALIZED, CARDIAC FORM; GSD II; POMPE DISEASE, INFANTILE-ONSET; GLYCOGEN STORAGE DISEASE II, INFANTILE-ONSET. Identifiers: Orphanet 365, MedGen C0017921, MONDO:0009290, OMIM 232300.

Submission:

Genomenon, Inc
Classification: Uncertain significance for Glycogen storage disease, type II. Last evaluated: 2026-07-01. Review status: criteria provided, single submitter. Criteria: Genomenon Sequence Variant Interpretation Standards - Updated. Collection method: curation. Allele origin: germline. Affected: yes.
Comment: GAA c.2040+2dup is a duplication that affects the donor splice site of intron 14. This variant has been observed in at least one proband with a GAA-related disorder in the compound heterozygous and/or homozygous state (PMID:27649523). It is absent or not present at a significant frequency in gnomAD. In conclusion, we classify GAA c.2040+2dup as a variant of uncertain significance.

Literature cited by the submitters: PubMed 27649523.